The following is an entry in ClinVar:

ClinVar aggregate classification (germline): Likely pathogenic. Review status: criteria provided, single submitter (1 of 4 stars). 2 submissions from 2 submitters: Likely pathogenic (1). 1 of the submissions does not count toward it. Last evaluated 2021-10-13.

Conditions:
Methylmalonic aciduria, cblB type (MACB). Also called: METHYLMALONIC ACIDURIA, VITAMIN B12-RESPONSIVE, DUE TO DEFECT IN SYNTHESIS OF ADENOSYLCOBALAMIN, cblB TYPE; Vitamin B12-responsive methylmalonic acidemia type cblB; Methylmalonic acidemia cblB type. Identifiers: Orphanet 28, Orphanet 79311, MedGen C1855102, MONDO:0009614, OMIM 251110.

Submissions (2):

Labcorp Genetics (formerly Invitae), Labcorp
Classification: Likely pathogenic for Methylmalonic aciduria, cblB type. Last evaluated: 2021-10-13. Review status: criteria provided, single submitter. Criteria: Invitae Variant Classification Sherloc (09022015). Collection method: clinical testing. Allele origin: germline.
Comment: This sequence change affects a donor splice site in intron 6 of the MMAB gene. It is expected to disrupt RNA splicing. Variants that disrupt the donor or acceptor splice site typically lead to a loss of protein function (PMID: 16199547), and loss-of-function variants in MMAB are known to be pathogenic (PMID: 15781192, 16410054). This variant is not present in population databases (ExAC no frequency). Disruption of this splice site has been observed in individual(s) with methylmalonic aciduria (PMID: 27591164). Algorithms developed to predict the effect of sequence changes on RNA splicing suggest that this variant may disrupt the consensus splice site. In summary, the currently available evidence indicates that the variant is pathogenic, but additional data are needed to prove that conclusively. Therefore, this variant has been classified as Likely Pathogenic.

Baumgartner lab, University Children's Hospital Zurich
Classification: Pathogenic for Methylmalonic aciduria, cblB type. Last evaluated: 2021-06-01. Review status: no assertion criteria provided. Collection method: clinical testing. Allele origin: germline. Affected: yes. Not counted in ClinVar's aggregate classification.

Literature cited by the submitters: PubMed 16199547 (cited by Labcorp Genetics (formerly Invitae), Labcorp); PubMed 15781192 (cited by Labcorp Genetics (formerly Invitae), Labcorp); PubMed 16410054 (cited by Labcorp Genetics (formerly Invitae), Labcorp); PubMed 27591164 (cited by Labcorp Genetics (formerly Invitae), Labcorp).

NM_052845.4(MMAB):c.519+1G>A

Gene: MMAB (metabolism of cobalamin associated B; minus strand). Cytogenetic location: 12q24.11.
Variant type: single nucleotide variant.
Coding change: c.519+1G>A on transcript NM_052845.4 (MANE Select); the canonical splice donor site of the intron after coding-DNA position 519, G replaced by A.
Molecular consequence: splice donor variant.
Genome position (GRCh38, 1-based): chr12:109,561,419, C>T on the plus strand (G>A on the coding strand, the complement: MMAB is on the minus strand). VCF-style: chr12-109561419-C-T. GRCh37 (hg19) VCF-style: chr12-109999224-C-T.
Identifiers: ClinVar variation 645198 (VCV000645198.8), dbSNP rs1592998207, ClinGen allele CA386637167.